The following is an entry in ClinVar:

ClinVar aggregate classification (germline): Likely pathogenic. Review status: criteria provided, single submitter (1 of 4 stars). 2 submissions from 2 submitters: Likely pathogenic (1). 1 of the submissions does not count toward it. Last evaluated 2016-10-25.

Conditions:
Cutis laxa, X-linked (OHS). Also called: EDS IX; Occipital horn syndrome. Identifiers: Orphanet 198, MedGen C0268353, MONDO:0010572, OMIM 304150.
Menkes kinky-hair syndrome (MNK). Also called: Classic Menkes Disease; Copper transport disease; Menkes Disease. Identifiers: Orphanet 565, MedGen C0022716, MONDO:0010651, OMIM 309400.
X-linked distal spinal muscular atrophy type 3. Also called: SPINAL MUSCULAR ATROPHY, DISTAL, X-LINKED RECESSIVE; ATP7A-Related Distal Motor Neuropathy; NEURONOPATHY, DISTAL HEREDITARY MOTOR, X-LINKED; NEUROPATHY, DISTAL HEREDITARY MOTOR, X-LINKED. Identifiers: Orphanet 139557, MedGen C1845359, MONDO:0010338, OMIM 300489.
ATP7A-related disorder. Also called: ATP7A-related condition.

Submissions (2):

Labcorp Genetics (formerly Invitae), Labcorp
Classification: Likely pathogenic for X-linked distal spinal muscular atrophy type 3; Cutis laxa, X-linked; Menkes kinky-hair syndrome. Last evaluated: 2016-10-25. Review status: criteria provided, single submitter. Criteria: Invitae Variant Classification Sherloc (09022015). Collection method: clinical testing. Allele origin: germline.
Comment: This sequence change affects an acceptor splice site in intron 20 of the ATP7A gene. It is expected to disrupt RNA splicing and likely results in an absent or disrupted protein product. This variant has not been reported in the literature in individuals with a ATP7A-related disease. In summary, donor and acceptor splice site variants are typically loss-of-function (PMID: 16199547), and loss-of-function variants in ATP7A are known to be pathogenic (PMID: 20652413, 11241493). However, without additional functional and/or genetic data, this variant has been classified as Likely Pathogenic.

PreventionGenetics, part of Exact Sciences
Classification: Likely pathogenic for ATP7A-related condition. Last evaluated: 2024-03-13. Review status: no assertion criteria provided. Collection method: clinical testing. Allele origin: germline. Not counted in ClinVar's aggregate classification.
Comment: The ATP7A c.4006-1G>A variant is predicted to disrupt the AG splice acceptor site and interfere with normal splicing. This variant has been reported in an individual with Menkes syndrome (Table 1, Parad et al. 2020. PubMed ID: 32714836). This variant has not been reported in a large population database, indicating this variant is rare. Variants that disrupt the consensus splice acceptor site in ATP7A are expected to be pathogenic. This variant is interpreted as likely pathogenic.

Literature cited by the submitters: PubMed 16199547 (cited by Labcorp Genetics (formerly Invitae), Labcorp); PubMed 20652413 (cited by Labcorp Genetics (formerly Invitae), Labcorp); PubMed 11241493 (cited by Labcorp Genetics (formerly Invitae), Labcorp).

NM_000052.7(ATP7A):c.4006-1G>A

Gene: ATP7A (ATPase copper transporting alpha; plus strand). Cytogenetic location: Xq21.1.
Variant type: single nucleotide variant.
Coding change: c.4006-1G>A on transcript NM_000052.7 (MANE Select); the canonical splice acceptor site of the intron before coding-DNA position 4006, G replaced by A.
Molecular consequence: splice acceptor variant.
Genome position (GRCh38, 1-based): chrX:78,043,316, G>A. VCF-style: chrX-78043316-G-A. GRCh37 (hg19) VCF-style: chrX-77298814-G-A.
Other names: c.3772-1G>A (NM_001282224.2).
Identifiers: ClinVar variation 465121 (VCV000465121.8), dbSNP rs1557238665, ClinGen allele CA413605455.